The following is an entry in ClinVar:

ClinVar aggregate classification (germline): Likely benign. Review status: criteria provided, multiple submitters, no conflicts (2 of 4 stars). 2 submissions from 2 submitters: Likely benign (2). Last evaluated 2024-10-23.

Allele frequency attached by ClinVar (database versions not stated): TOPMed 0.00005; ESP Exome Variant Server 0.00015; gnomAD 0.00015; gnomAD exomes 0.00029; ExAC 0.00067; 1000 Genomes Project 30x 0.00156; 1000 Genomes Project 0.00160.
gnomAD v4.1: 452 of 1,614,070 alleles (0.028%); highest among the groups gnomAD compares: South Asian, 0.46%; 10 homozygotes.

Submissions (2):

Blueprint Genetics
Classification: Likely benign. Last evaluated: 2024-10-23. Review status: criteria provided, single submitter. Criteria: ACMG Guidelines, 2015. Collection method: clinical testing. Allele origin: germline.

CeGaT Center for Human Genetics Tuebingen
Classification: Likely benign. Last evaluated: 2023-08-01. Review status: criteria provided, single submitter. Criteria: CeGaT Center For Human Genetics Tuebingen Variant Classification Criteria Version 2. Collection method: clinical testing. Allele origin: germline. Affected: yes. Observed: 1 variant allele.
Comment: TNC: BP4, BP7

NM_002160.4(TNC):c.6078C>T (p.Phe2026=)

Gene: TNC (tenascin C; minus strand). Cytogenetic location: 9q33.1.
Variant type: single nucleotide variant.
Coding change: c.6078C>T on transcript NM_002160.4 (MANE Select); coding-DNA position 6078, C replaced by T.
Protein change: p.Phe2026=; no amino-acid change (phenylalanine 2026 retained).
Molecular consequence: synonymous variant.
Genome position (GRCh38, 1-based): chr9:115,029,451, G>A on the plus strand (C>T on the coding strand, the complement: TNC is on the minus strand). VCF-style: chr9-115029451-G-A. GRCh37 (hg19) VCF-style: chr9-117791730-G-A.
Other names: c.5532C>T, p.Phe1844= (NM_001410991.1).
Identifiers: ClinVar variation 2659451 (VCV002659451.25), dbSNP rs377288198, ClinGen allele CA5207456.